The following is an entry in ClinVar:

NM_000447.3(PSEN2):c.1145G>T (p.Ser382Ile)

Gene: PSEN2 (presenilin 2; plus strand). Cytogenetic location: 1q42.13.
Variant type: single nucleotide variant.
Coding change: c.1145G>T on transcript NM_000447.3 (MANE Select); coding-DNA position 1145, G replaced by T.
Protein change: p.Ser382Ile; replaces serine 382 with isoleucine.
Molecular consequence: missense variant.
Genome position (GRCh38, 1-based): chr1:226,894,079, G>T. VCF-style: chr1-226894079-G-T. GRCh37 (hg19) VCF-style: chr1-227081780-G-T.
Other names: c.1145G>T, p.Ser382Ile (NM_001437537.1); c.1142G>T, p.Ser381Ile (NM_012486.3); short protein forms S381I, S382I.
Identifiers: ClinVar variation 4687952 (VCV004687952.1), dbSNP rs1481333447.

ClinVar aggregate classification (germline): Uncertain significance (1 of 4 stars; one submission).

Conditions:
Alzheimer disease 4 (AD4). Identifiers: Orphanet 1020, MedGen C1847200, MONDO:0011743, OMIM 606889.

gnomAD v4.1: 1 of 1,614,228 alleles (0.000062%); highest among the groups gnomAD compares: Non-Finnish European, 0.000085%; no homozygotes.

Submission:

Human Genetics Bochum, Ruhr University Bochum
Classification: Uncertain significance for Alzheimer disease 4. Last evaluated: 2025-03-01. Review status: criteria provided, single submitter. Criteria: ACMG Guidelines, 2015. Collection method: clinical testing. Allele origin: germline. Affected: yes.
Comment: ACMG criteria used to clasify this variant: PP3_MOD, PM2_SUP